The following is an entry in ClinVar:

ClinVar aggregate classification (germline): Pathogenic (1 of 4 stars; one submission).

Conditions:
Ectodermal dysplasia 10A, hypohidrotic/hair/nail type, autosomal dominant (ECTD10A). Also called: Ectodermal Dysplasia 3, Anhidrotic. Identifiers: Orphanet 1810, Orphanet 238468, MedGen C3888065, MONDO:0007509, OMIM 129490.
Autosomal recessive hypohidrotic ectodermal dysplasia syndrome. Also called: Autosomal recessive hypohidrotic ectodermal dysplasia. Identifiers: Orphanet 248, MedGen C0406702, MONDO:0016619.

Submission:

Labcorp Genetics (formerly Invitae), Labcorp
Classification: Pathogenic for Ectodermal dysplasia 10A, hypohidrotic/hair/nail type, autosomal dominant; Autosomal recessive hypohidrotic ectodermal dysplasia syndrome. Last evaluated: 2023-09-10. Review status: criteria provided, single submitter. Criteria: Invitae Variant Classification Sherloc (09022015). Collection method: clinical testing. Allele origin: germline.
Comment: For these reasons, this variant has been classified as Pathogenic. ClinVar contains an entry for this variant (Variation ID: 532547). This premature translational stop signal has been observed in individual(s) with autosomal dominant ectodermal dysplasia (PMID: 23401279, 24641098). It has also been observed to segregate with disease in related individuals. This variant is not present in population databases (gnomAD no frequency). This sequence change creates a premature translational stop signal (p.Phe398*) in the EDAR gene. While this is not anticipated to result in nonsense mediated decay, it is expected to disrupt the last 51 amino acid(s) of the EDAR protein.

Literature cited by the submitters: PubMed 23401279; PubMed 24641098.

NM_022336.4(EDAR):c.1193_1194del (p.Leu397_Phe398insTer)

Genes: EDAR (ectodysplasin A receptor; minus strand), RANBP2 (RAN binding protein 2; plus strand). Cytogenetic location: 2q13.
Variant type: Deletion.
Coding change: c.1193_1194del on transcript NM_022336.4 (MANE Select); coding-DNA positions 1193 to 1194, 2 bases deleted (TT; older notation c.1193_1194delTT).
Protein change: p.Leu397_Phe398insTer.
Molecular consequence: nonsense.
Genome position (GRCh38, 1-based): chr2:108,897,060-108,897,061, AA deleted on the plus strand (TT on the coding strand, the reverse complement: EDAR is on the minus strand); deleting any 2 consecutive bases within chr2:108,897,060-108,897,062 gives the same sequence; the c. name uses the placement nearest the transcript's 3' end. VCF-style (leftmost placement, unchanged base first): chr2-108897059-CAA-C. GRCh37 (hg19) VCF-style: chr2-109513515-CAA-C.
Identifiers: ClinVar variation 532547 (VCV000532547.9), dbSNP rs1553443360, ClinGen allele CA658795840.
Genomic context (GRCh38, chr2:108,897,059, plus strand): 5'-CAATCTGCACCAGTTTTGTGAGTAGCTCAGGGATGCTGTAGCCTGCCGTGCTGATGCGGT[CAA>C]AGAGTTGCATGCCGTCTGTCATGCCCCCAATCTCATCCCTCTTCAGGCCGAAGCTCTCGG-3'